The following is an entry in ClinVar:

ClinVar aggregate classification (germline): not provided (0 of 4 stars; one submission).

Conditions:
Normal pregnancy. Identifiers: MedGen C0232989.

Submission:

Institute of Molecular and Cell Biology, University of Tartu
No classification provided. Condition: Normal pregnancy. Review status: no classification provided. Collection method: case-control. Allele origin: unknown. Affected: yes. Study: Kasak2014.
Comment: The study aimed to determine the contribution of copy number variants in the genetic etiology of normal and complicated pregnancies. The samples represented (i) maternal blood DNA drawn from healthy pregnant women during 1st or 2nd trimester and (ii) maternal and paternal blood DNA drawn at term pregnancy cases representing normal and complicated gestations (severe preeclampsia, PE; gestational diabetes, GD; small-for-gestational age newborn, SGA; large-for-gestational age newborn, LGA). We performed CNV calling based on genome-wide genotyping dataset (Illumina HumanOmniExpress-24-v1 BeadChip) by applying three algorithms, QuantiSNP, GADA (Genome Alteration Detection Algorithm) and CNstream in parallel. The acquired CNV calls were merged with HD-CNV (Hotspot Detector for Copy Number Variants) program and only the CNVs predicted by at least two programs, were considered in subsequent analysis.

Literature cited by the submitters: PubMed 25666259.

NC_000006.12:g.128772127_128804039dup

Variant type: Duplication.
Identifiers: ClinVar variation 157027 (VCV000157027.2).